The following is an entry in ClinVar:

ClinVar aggregate classification (germline): Likely benign. Review status: criteria provided, single submitter (1 of 4 stars). 2 submissions from 2 submitters: Likely benign (1). 1 of the submissions does not count toward it. Last evaluated 2025-12-23.

Conditions:
ABCB4-related disorder. Also called: ABCB4-related disorders; ABCB4-related condition.

Allele frequency attached by ClinVar (database versions not stated): ExAC 0.00002.
gnomAD v4.1: 43 of 1,613,962 alleles (0.0027%); highest among the groups gnomAD compares: African/African-American, 0.004%; no homozygotes.

Submissions (2):

Labcorp Genetics (formerly Invitae), Labcorp
Classification: Likely benign. Last evaluated: 2025-12-23. Review status: criteria provided, single submitter. Criteria: Invitae Variant Classification Sherloc (09022015). Collection method: clinical testing. Allele origin: germline.

PreventionGenetics, part of Exact Sciences
Classification: Likely benign for ABCB4-related condition. Last evaluated: 2021-04-14. Review status: no assertion criteria provided. Collection method: clinical testing. Allele origin: germline. Not counted in ClinVar's aggregate classification.
Comment: This variant is classified as likely benign based on ACMG/AMP sequence variant interpretation guidelines (Richards et al. 2015 PMID: 25741868, with internal and published modifications).

NM_000443.4(ABCB4):c.3117C>T (p.Val1039=)

Gene: ABCB4 (ATP binding cassette subfamily B member 4; minus strand). Cytogenetic location: 7q21.12.
Variant type: single nucleotide variant.
Coding change: c.3117C>T on transcript NM_000443.4 (MANE Select); coding-DNA position 3117, C replaced by T.
Protein change: p.Val1039=; no amino-acid change (valine 1039 retained).
Molecular consequence: synonymous variant.
Genome position (GRCh38, 1-based): chr7:87,408,199, G>A on the plus strand (C>T on the coding strand, the complement: ABCB4 is on the minus strand). VCF-style: chr7-87408199-G-A. GRCh37 (hg19) VCF-style: chr7-87037515-G-A.
Other names: c.3117C>T (NM_000443.3); c.3117C>T, p.Val1039= (NM_018849.3); c.2976C>T, p.Val992= (NM_018850.3).
Identifiers: ClinVar variation 2905106 (VCV002905106.5), dbSNP rs779194886, ClinGen allele CA4326853.